The following is an entry in ClinVar:

ClinVar aggregate classification (germline): Uncertain significance. Review status: criteria provided, multiple submitters, no conflicts (2 of 4 stars). 2 submissions from 2 submitters: Uncertain significance (2). Last evaluated 2024-03-28.

Conditions:
RASopathy. Also called: rasopathies; Noonan spectrum disorder. Identifiers: Orphanet 536391, MedGen C5555857, MONDO:0021060.

Allele frequency attached by ClinVar (database versions not stated): gnomAD 0.00001 and 0.00002; gnomAD exomes 0.00001 and 0.00002; TOPMed 0.00001; ExAC 0.00005; 1000 Genomes Project 30x 0.00016; 1000 Genomes Project 0.00020.
gnomAD v4.1: 14 of 1,559,118 alleles (0.0009%); highest among the groups gnomAD compares: Admixed American, 0.0039%; no homozygotes.

Submissions (2):

Labcorp Genetics (formerly Invitae), Labcorp
Classification: Uncertain significance for RASopathy. Last evaluated: 2024-03-28. Review status: criteria provided, single submitter. Criteria: Invitae Variant Classification Sherloc (09022015). Collection method: clinical testing. Allele origin: germline.
Comment: This sequence change replaces glycine, which is neutral and non-polar, with serine, which is neutral and polar, at codon 381 of the MAP2K2 protein (p.Gly381Ser). The frequency data for this variant in the population databases is considered unreliable, as metrics indicate poor data quality at this position in the gnomAD database. This variant has not been reported in the literature in individuals affected with MAP2K2-related conditions. ClinVar contains an entry for this variant (Variation ID: 1525536). Advanced modeling of protein sequence and biophysical properties (such as structural, functional, and spatial information, amino acid conservation, physicochemical variation, residue mobility, and thermodynamic stability) performed at Invitae indicates that this missense variant is not expected to disrupt MAP2K2 protein function with a negative predictive value of 95%. In summary, the available evidence is currently insufficient to determine the role of this variant in disease. Therefore, it has been classified as a Variant of Uncertain Significance.

Mayo Clinic Laboratories, Mayo Clinic
Classification: Uncertain significance. Last evaluated: 2023-05-24. Review status: criteria provided, single submitter. Criteria: ACMG Guidelines, 2015. Collection method: clinical testing. Allele origin: germline. Observed: 1 variant allele.

NM_030662.4(MAP2K2):c.1141G>A (p.Gly381Ser)

Gene: MAP2K2 (mitogen-activated protein kinase kinase 2; minus strand). Cytogenetic location: 19p13.3.
Variant type: single nucleotide variant.
Coding change: c.1141G>A on transcript NM_030662.4 (MANE Select); coding-DNA position 1141, G replaced by A.
Protein change: p.Gly381Ser; replaces glycine 381 with serine.
Molecular consequence: missense variant.
Genome position (GRCh38, 1-based): chr19:4,090,660, C>T on the plus strand (G>A on the coding strand, the complement: MAP2K2 is on the minus strand). VCF-style: chr19-4090660-C-T. GRCh37 (hg19) VCF-style: chr19-4090658-C-T.
Other names: p.Gly381Ser; c.1141G>A (NM_030662.3); short protein forms G381S.
Identifiers: ClinVar variation 1525536 (VCV001525536.9), dbSNP rs565860695, ClinGen allele CA9090690.